The following is an entry in ClinVar:

NM_000038.6(APC):c.6232C>T (p.Leu2078Phe)

Gene: APC (APC regulator of Wnt signaling pathway; plus strand). Cytogenetic location: 5q22.2.
Variant type: single nucleotide variant.
Coding change: c.6232C>T on transcript NM_000038.6 (MANE Select); coding-DNA position 6232, C replaced by T.
Protein change: p.Leu2078Phe; replaces leucine 2078 with phenylalanine.
Molecular consequence: missense variant.
Genome position (GRCh38, 1-based): chr5:112,841,826, C>T. VCF-style: chr5-112841826-C-T. GRCh37 (hg19) VCF-style: chr5-112177523-C-T.
Other names: c.6232C>T, p.Leu2078Phe (NM_001127510.3, NM_001354895.2); c.6178C>T, p.Leu2060Phe (NM_001127511.3); c.6286C>T, p.Leu2096Phe (NM_001354896.2); c.6262C>T, p.Leu2088Phe (NM_001354897.2); c.6157C>T, p.Leu2053Phe (NM_001354898.2); c.6148C>T, p.Leu2050Phe (NM_001354899.2); c.6109C>T, p.Leu2037Phe (NM_001354900.2); c.6055C>T, p.Leu2019Phe (NM_001354901.2); and 5 more; short protein forms L2060F, L2078F, L1952F, L2019F, L2037F, L1918F, L1977F, L2088F.
Identifiers: ClinVar variation 628484 (VCV000628484.4), dbSNP rs786203610, ClinGen allele CA16034980.

ClinVar aggregate classification (germline): Uncertain significance. Review status: criteria provided, multiple submitters, no conflicts (2 of 4 stars). 2 submissions from 2 submitters: Uncertain significance (2). Last evaluated 2024-10-13.

Conditions:
Hereditary cancer-predisposing syndrome. Also called: Neoplastic Syndromes, Hereditary; Tumor predisposition; Hereditary neoplastic syndrome; Hereditary Cancer Syndrome. Identifiers: Orphanet 140162, MedGen C0027672, MeSH D009386, MONDO:0015356.

gnomAD v4.1: 1 of 1,613,936 alleles (0.000062%); highest among the groups gnomAD compares: South Asian, 0.0011%; no homozygotes.

Submissions (2):

Ambry Genetics
Classification: Uncertain significance for Hereditary cancer-predisposing syndrome. Last evaluated: 2024-10-13. Review status: criteria provided, single submitter. Criteria: Ambry Variant Classification Scheme 2023. Collection method: clinical testing. Allele origin: germline.
Comment: The p.L2078F variant (also known as c.6232C>T), located in coding exon 15 of the APC gene, results from a C to T substitution at nucleotide position 6232. The leucine at codon 2078 is replaced by phenylalanine, an amino acid with highly similar properties. This amino acid position is conserved. In addition, in silico predictors for this gene do not accurately predict pathogenicity. Based on the available evidence, the clinical significance of this variant remains unclear.

Color Diagnostics, LLC DBA Color Health
Classification: Uncertain significance for Hereditary cancer-predisposing syndrome. Last evaluated: 2019-05-29. Review status: criteria provided, single submitter. Criteria: ACMG Guidelines, 2015. Collection method: clinical testing. Allele origin: germline.